The following is an entry in ClinVar:

ClinVar aggregate classification (germline): Uncertain significance (1 of 4 stars; one submission).

Conditions:
Myofibrillar myopathy 4. Also called: Zaspopathy (type). Identifiers: Orphanet 98912, MedGen C4721886, MONDO:0012277, OMIM 609452.

Submission:

Labcorp Genetics (formerly Invitae), Labcorp
Classification: Uncertain significance for Myofibrillar myopathy 4. Last evaluated: 2023-12-11. Review status: criteria provided, single submitter. Criteria: Invitae Variant Classification Sherloc (09022015). Collection method: clinical testing. Allele origin: germline.
Comment: This sequence change falls in intron 5 of the LDB3 gene. It does not directly change the encoded amino acid sequence of the LDB3 protein. It affects a nucleotide within the consensus splice site. This variant is not present in population databases (gnomAD no frequency). This variant has not been reported in the literature in individuals affected with LDB3-related conditions. Variants that disrupt the consensus splice site are a relatively common cause of aberrant splicing (PMID: 17576681, 9536098). Algorithms developed to predict the effect of sequence changes on RNA splicing suggest that this variant may disrupt the consensus splice site. In summary, the available evidence is currently insufficient to determine the role of this variant in disease. Therefore, it has been classified as a Variant of Uncertain Significance.

Literature cited by the submitters: PubMed 17576681; PubMed 9536098.

NM_007078.3(LDB3):c.690-4619G>A

Genes: LDB3 (LIM domain binding 3; plus strand), LOC110121486 (VISTA enhancer hs2143; plus strand). Cytogenetic location: 10q23.2.
Variant type: single nucleotide variant.
Coding change: c.690-4619G>A on transcript NM_007078.3 (MANE Select); 4619 bases into the intron before coding-DNA position 690, G replaced by A.
Molecular consequence: intron variant.
Genome position (GRCh38, 1-based): chr10:86,687,277, G>A. VCF-style: chr10-86687277-G-A. GRCh37 (hg19) VCF-style: chr10-88447034-G-A.
Other names: c.690-4619G>A (NM_001368064.1, NM_001368063.1, NM_001368065.1 and 1 more transcripts); c.548+5G>A (NM_001368068.1, NM_001368066.1, NM_001080114.2 and 2 more transcripts); c.893+5G>A (NM_001171610.2, NM_001171611.2).
Identifiers: ClinVar variation 2959372 (VCV002959372.3), dbSNP rs761090088, ClinGen allele CA2740093465.